The following is an entry in ClinVar:

NM_015978.3(TNNI3K):c.977T>A (p.Leu326His)

Genes: FPGT-TNNI3K (FPGT-TNNI3K readthrough; plus strand), TNNI3K (TNNI3 interacting kinase; plus strand). Cytogenetic location: 1p31.1.
Variant type: single nucleotide variant.
Coding change: c.977T>A on transcript NM_015978.3 (MANE Select); coding-DNA position 977, T replaced by A.
Protein change: p.Leu326His; replaces leucine 326 with histidine.
Molecular consequence: missense variant.
Genome position (GRCh38, 1-based): chr1:74,353,310, T>A. VCF-style: chr1-74353310-T-A. GRCh37 (hg19) VCF-style: chr1-74818994-T-A.
Other names: c.1280T>A, p.Leu427His (NM_001112808.3, NM_001199327.2); short protein forms L326H, L427H.
Identifiers: ClinVar variation 3605882 (VCV003605882.2).
Genomic context (GRCh38, chr1:74,353,310, plus strand): 5'-TGGTTTTTTTTTTCAGTGCTTGTACCTATGGCAAGAGCATTGACCTAGTCAAATTTCTTC[T>A]TGATCAGAATGTCATAAACATCAACCACCAAGGAAGGGATGGGCACACTGGTAAGACTGT-3'
Protein context (NP_057062.1, residues 316-336): GKSIDLVKFL[Leu326His]DQNVININHQ

ClinVar aggregate classification (germline): Uncertain significance (1 of 4 stars; one submission).

gnomAD v4.1: 3 of 1,613,924 alleles (0.00019%); highest among the groups gnomAD compares: Middle Eastern, 0.016%; no homozygotes.

Submission:

Labcorp Genetics (formerly Invitae), Labcorp
Classification: Uncertain significance. Last evaluated: 2024-03-26. Review status: criteria provided, single submitter. Criteria: Invitae Variant Classification Sherloc (09022015). Collection method: clinical testing. Allele origin: germline.
Comment: This sequence change replaces leucine, which is neutral and non-polar, with histidine, which is basic and polar, at codon 326 of the TNNI3K protein (p.Leu326His). This variant is not present in population databases (gnomAD no frequency). This variant has not been reported in the literature in individuals affected with TNNI3K-related conditions. Advanced modeling of protein sequence and biophysical properties (such as structural, functional, and spatial information, amino acid conservation, physicochemical variation, residue mobility, and thermodynamic stability) has been performed at Invitae for this missense variant, however the output from this modeling did not meet the statistical confidence thresholds required to predict the impact of this variant on TNNI3K protein function. In summary, the available evidence is currently insufficient to determine the role of this variant in disease. Therefore, it has been classified as a Variant of Uncertain Significance.